The following is an entry in ClinVar:

ClinVar aggregate classification (germline): Uncertain significance. Review status: criteria provided, multiple submitters, no conflicts (2 of 4 stars). 2 submissions from 2 submitters: Uncertain significance (2). Last evaluated 2025-02-28.

Conditions:
Inborn genetic diseases. Identifiers: MedGen C0950123, MeSH D030342.

Submissions (2):

Labcorp Genetics (formerly Invitae), Labcorp
Classification: Uncertain significance. Last evaluated: 2025-02-28. Review status: criteria provided, single submitter. Criteria: Invitae Variant Classification Sherloc (09022015). Collection method: clinical testing. Allele origin: germline.
Comment: This sequence change replaces arginine, which is basic and polar, with glutamine, which is neutral and polar, at codon 206 of the DEAF1 protein (p.Arg206Gln). This variant is present in population databases (rs144722753, gnomAD 0.003%). This variant has not been reported in the literature in individuals affected with DEAF1-related conditions. Invitae Evidence Modeling of protein sequence and biophysical properties (such as structural, functional, and spatial information, amino acid conservation, physicochemical variation, residue mobility, and thermodynamic stability) indicates that this missense variant is expected to disrupt DEAF1 protein function with a positive predictive value of 95%. In summary, the available evidence is currently insufficient to determine the role of this variant in disease. Therefore, it has been classified as a Variant of Uncertain Significance.

Ambry Genetics
Classification: Uncertain significance for Inborn genetic diseases. Last evaluated: 2025-02-07. Review status: criteria provided, single submitter. Criteria: Ambry Variant Classification Scheme 2023. Collection method: clinical testing. Allele origin: germline.

NM_021008.4(DEAF1):c.617G>A (p.Arg206Gln)

Gene: DEAF1 (DEAF1 transcription factor; minus strand). Cytogenetic location: 11p15.5.
Variant type: single nucleotide variant.
Coding change: c.617G>A on transcript NM_021008.4 (MANE Select); coding-DNA position 617, G replaced by A.
Protein change: p.Arg206Gln; replaces arginine 206 with glutamine.
Molecular consequence: missense variant. On other transcripts: 5 prime UTR variant (1).
Genome position (GRCh38, 1-based): chr11:687,958, C>T on the plus strand (G>A on the coding strand, the complement: DEAF1 is on the minus strand). VCF-style: chr11-687958-C-T. GRCh37 (hg19) VCF-style: chr11-687958-C-T.
Other names: c.617G>A, p.Arg206Gln (NM_001293634.2); c.-110G>A (NM_001367390.1); short protein forms R206Q.
Identifiers: ClinVar variation 3839225 (VCV003839225.2).